The following is an entry in ClinVar:

ClinVar aggregate classification (germline): Conflicting classifications of pathogenicity. Review status: criteria provided, conflicting classifications (1 of 4 stars). 2 submissions from 2 submitters: Uncertain significance (1); Likely benign (1). Last evaluated 2025-07-01.

Conditions:
Episodic ataxia type 2 (EA2). Also called: ATAXIA, EPISODIC, WITH NYSTAGMUS; ATAXIA, FAMILIAL PAROXYSMAL; CEREBELLAR ATAXIA, PAROXYSMAL, ACETAZOLAMIDE-RESPONSIVE; CEREBELLOPATHY, HEREDITARY PAROXYSMAL; EPISODIC ATAXIA, NYSTAGMUS-ASSOCIATED; ACETAZOLAMIDE-RESPONSIVE HEREDITARY PAROXYSMAL CEREBELLAR ATAXIA. Identifiers: Orphanet 97, MedGen C1720416, MONDO:0007163, OMIM 108500.
Developmental and epileptic encephalopathy, 42 (DEE42A). Also called: Epileptic encephalopathy, early infantile, 42; DEVELOPMENTAL AND EPILEPTIC ENCEPHALOPATHY 42A; EPILEPTIC ENCEPHALOPATHY, EARLY INFANTILE, 42A. Identifiers: MedGen C4310716, MONDO:0014917, OMIM 617106.

Allele frequency attached by ClinVar (database versions not stated): TOPMed below 0.00001; gnomAD exomes 0.00001.
gnomAD v4.1: 10 of 1,486,196 alleles (0.00067%); highest among the groups gnomAD compares: Middle Eastern, 0.047%; no homozygotes.

Submissions (2):

CeGaT Center for Human Genetics Tuebingen
Classification: Uncertain significance. Last evaluated: 2025-07-01. Review status: criteria provided, single submitter. Criteria: CeGaT Center For Human Genetics Tuebingen Variant Classification Criteria Version 2. Collection method: clinical testing. Allele origin: germline. Affected: yes. Observed: 1 variant allele.
Comment: CACNA1A: PP3

Labcorp Genetics (formerly Invitae), Labcorp
Classification: Likely benign for Developmental and epileptic encephalopathy, 42; Episodic ataxia type 2. Last evaluated: 2025-02-10. Review status: criteria provided, single submitter. Criteria: Invitae Variant Classification Sherloc (09022015). Collection method: clinical testing. Allele origin: germline.

NM_001127222.2(CACNA1A):c.6740G>A (p.Arg2247His)

Genes: CACNA1A (calcium voltage-gated channel subunit alpha1 A; minus strand), LOC130063717 (ATAC-STARR-seq lymphoblastoid silent region 10203; plus strand). Cytogenetic location: 19p13.13.
Variant type: single nucleotide variant.
Coding change: c.6740G>A on transcript NM_001127222.2 (MANE Select); coding-DNA position 6740, G replaced by A.
Protein change: p.Arg2247His; replaces arginine 2247 with histidine.
Molecular consequence: missense variant.
Genome position (GRCh38, 1-based): chr19:13,208,796, C>T on the plus strand (G>A on the coding strand, the complement: CACNA1A is on the minus strand). VCF-style: chr19-13208796-C-T. GRCh37 (hg19) VCF-style: chr19-13319610-C-T.
Other names: c.6758G>A, p.Arg2253His (NM_000068.4, NM_023035.3); c.6743G>A, p.Arg2248His (NM_001127221.2); c.6749G>A, p.Arg2250His (NM_001174080.2); short protein forms R2250H, R2247H, R2248H, R2253H.
Identifiers: ClinVar variation 808462 (VCV000808462.48), dbSNP rs1219651327, ClinGen allele CA404329471.
Genomic context (GRCh38, chr19:13,208,796, plus strand): 5'-TCACTTGCAGCCGCACCCACCTGCCGGTGCGCCATGTGCTCTCGGCCCTCGCTGGGCGAG[C>T]GGGACCAGCGCTGGTCCCGAGCCCGTGCCCGGCCGTGGTCCGGCCGTTCCTGGGCATAGC-3'
Protein context (NP_001120694.1, residues 2237-2257): RARARDQRWS[Arg2247His]SPSEGREHMA